The following is an entry in ClinVar:

ClinVar aggregate classification (germline): Pathogenic (1 of 4 stars; one submission).

Submission:

Labcorp Genetics (formerly Invitae), Labcorp
Classification: Pathogenic. Last evaluated: 2022-11-15. Review status: criteria provided, single submitter. Criteria: Invitae Variant Classification Sherloc (09022015). Collection method: clinical testing. Allele origin: germline.
Comment: For these reasons, this variant has been classified as Pathogenic. This variant has not been reported in the literature in individuals affected with FOXF1-related conditions. This variant is not present in population databases (gnomAD no frequency). This sequence change creates a premature translational stop signal (p.Cys148Alafs*10) in the FOXF1 gene. It is expected to result in an absent or disrupted protein product. Loss-of-function variants in FOXF1 are known to be pathogenic (PMID: 19500772, 23505205).

Literature cited by the submitters: PubMed 19500772; PubMed 23505205.

NM_001451.3(FOXF1):c.442del (p.Cys148fs)

Gene: FOXF1 (forkhead box F1; plus strand). Cytogenetic location: 16q24.1.
Variant type: Deletion.
Coding change: c.442del on transcript NM_001451.3 (MANE Select); coding-DNA position 442, one base deleted (T; older notation c.442delT).
Protein change: p.Cys148fs; shifts the reading frame from cysteine 148.
Molecular consequence: frameshift variant.
Genome position (GRCh38, 1-based): chr16:86,511,011, T deleted. VCF-style (leftmost placement, unchanged base first): chr16-86511010-AT-A. GRCh37 (hg19) VCF-style: chr16-86544616-AT-A.
Other names: short protein forms C148fs.
Identifiers: ClinVar variation 2814525 (VCV002814525.3), dbSNP rs2507450732, ClinGen allele CA2739266929.